The following is an entry in ClinVar:

ClinVar aggregate classification (germline): Likely pathogenic (1 of 4 stars; one submission).

Conditions:
Ciliary dyskinesia, primary, 44. Also called: CILIARY DYSKINESIA, PRIMARY, 44, WITHOUT SITUS INVERSUS. Identifiers: MedGen C5394063, MONDO:0032914, OMIM 618781.

Submission:

Diagnostics Services (NGS), CSIR - Centre For Cellular And Molecular Biology
Classification: Likely pathogenic for Ciliary dyskinesia, primary, 44. Last evaluated: 2025-10-08. Review status: criteria provided, single submitter. Criteria: ACMG Guidelines, 2015. Collection method: clinical testing. Allele origin: germline. Affected: yes. Observed: 1 variant allele, 1 homozygote.
Comment: The c.1743+1G>C variant is not present in publicly available population databases like 1000 Genomes, gnomAD, EVS, Indian Exome Database or our internal database. This variant has not been published in the literature for NEK10-related conditions nor reported to clinical databases like Human Genome Mutation Database (HGMD), ClinVar or OMIM in any affected individuals. Algorithms developed to predict the effect of sequence changes on RNA splicing suggest that this variant can disrupt the consensus splice site. In-silico pathogenicity prediction programs like HSF3.1, MutationTaster2, CADD, Varsome etc predicted the variant to be likely deleterious, however these predictions were not confirmed by published functional/translational studies.

NM_001394966.1(NEK10):c.1743+1G>C

Gene: NEK10 (NIMA related kinase 10; minus strand). Cytogenetic location: 3p24.1.
Variant type: single nucleotide variant.
Coding change: c.1743+1G>C on transcript NM_001394966.1 (MANE Select); the canonical splice donor site of the intron after coding-DNA position 1743, G replaced by C.
Molecular consequence: splice donor variant. On other transcripts: intron variant (1).
Genome position (GRCh38, 1-based): chr3:27,290,616, C>G on the plus strand (G>C on the coding strand, the complement: NEK10 is on the minus strand). VCF-style: chr3-27290616-C-G. GRCh37 (hg19) VCF-style: chr3-27332107-C-G.
Other names: c.1656+1G>C (NM_001394969.1, NM_001394967.1, NM_001394964.1); c.1743+1G>C (NM_001394965.1, NM_001394963.1, NM_001394970.1 and 3 more transcripts); c.1626+646G>C (NM_001394968.1).
Identifiers: ClinVar variation 4849675 (VCV004849675.1).